The following is an entry in ClinVar:

NM_000238.4(KCNH2):c.2482_2491del (p.Cys828fs)

Gene: KCNH2 (potassium voltage-gated channel subfamily H member 2; minus strand). Cytogenetic location: 7q36.1.
Variant type: Deletion.
Coding change: c.2482_2491del on transcript NM_000238.4 (MANE Select); coding-DNA positions 2482 to 2491, 10 bases deleted (TGTGACCTAC; older notation c.2482_2491delTGTGACCTAC).
Protein change: p.Cys828fs; shifts the reading frame from cysteine 828.
Molecular consequence: frameshift variant.
Genome position (GRCh38, 1-based): chr7:150,948,957-150,948,966, GTAGGTCACA deleted on the plus strand (TGTGACCTAC on the coding strand, the reverse complement: KCNH2 is on the minus strand); deleting any 10 consecutive bases within chr7:150,948,957-150,948,972 gives the same sequence; the c. name uses the placement nearest the transcript's 3' end. VCF-style (leftmost placement, unchanged base first): chr7-150948956-TGTAGGTCACA-T. GRCh37 (hg19) VCF-style: chr7-150646044-TGTAGGTCACA-T.
Other names: c.1462_1471del, p.Cys488fs (NM_172057.3); short protein forms C828fs, C488fs.
Identifiers: ClinVar variation 503760 (VCV000503760.2), dbSNP rs1554424829, ClinGen allele CA658797039.

ClinVar aggregate classification (germline): Pathogenic (1 of 4 stars; one submission).

Submission:

GeneDx
Classification: Pathogenic. Last evaluated: 2017-06-23. Review status: criteria provided, single submitter. Criteria: GeneDx Variant Classification (06012015). Collection method: clinical testing. Allele origin: germline. Affected: yes.
Comment: Although the c.2482_2491del10 pathogenic variant in the KCNH2 gene has not been reported to our knowledge, this variant causes a shift in reading frame starting at codon cysteine 828, changing it to a threonine, and creating a premature stop codon at position 37 of the new reading frame, denoted p.Cys828ThrfsX37. This pathogenic variant is expected to result in either an abnormal, truncated protein product or loss of protein from this allele through nonsense-mediated mRNA decay. Other frameshift variants in the KCNH2 gene have been reported in Human Gene Mutation Database in association with LQTS (Stenson et al., 2014), indicating that loss of function is a mechanism of disease for this gene. Furthermore, the c.2482_2491del10 variant has not been observed in large population cohorts (Lek et al., 2016; 1000 Genomes Consortium et al., 2015; Exome Variant Server).